The following is an entry in ClinVar:

NM_032119.4(ADGRV1):c.714T>G (p.Ser238Arg)

Gene: ADGRV1 (adhesion G protein-coupled receptor V1; plus strand). Cytogenetic location: 5q14.3.
Variant type: single nucleotide variant.
Coding change: c.714T>G on transcript NM_032119.4 (MANE Select); coding-DNA position 714, T replaced by G.
Protein change: p.Ser238Arg; replaces serine 238 with arginine.
Molecular consequence: missense variant. On other transcripts: non-coding transcript variant (1).
Genome position (GRCh38, 1-based): chr5:90,627,252, T>G. VCF-style: chr5-90627252-T-G. GRCh37 (hg19) VCF-style: chr5-89923069-T-G.
Other names: short protein forms S238R.
Identifiers: ClinVar variation 2087339 (VCV002087339.1), dbSNP rs1764886327, ClinGen allele CA360365578.

ClinVar aggregate classification (germline): Uncertain significance (1 of 4 stars; one submission).

gnomAD v4.1: 1 of 1,581,666 alleles (0.000063%); highest among the groups gnomAD compares: Non-Finnish European, 0.000086%; no homozygotes.

Submission:

Labcorp Genetics (formerly Invitae), Labcorp
Classification: Uncertain significance. Last evaluated: 2022-01-17. Review status: criteria provided, single submitter. Criteria: Invitae Variant Classification Sherloc (09022015). Collection method: clinical testing. Allele origin: germline.
Comment: This sequence change replaces serine, which is neutral and polar, with arginine, which is basic and polar, at codon 238 of the ADGRV1 protein (p.Ser238Arg). This variant is not present in population databases (gnomAD no frequency). This variant has not been reported in the literature in individuals affected with ADGRV1-related conditions. Algorithms developed to predict the effect of missense changes on protein structure and function output the following: SIFT: "Deleterious"; PolyPhen-2: "Benign"; Align-GVGD: "Class C0". The arginine amino acid residue is found in multiple mammalian species, which suggests that this missense change does not adversely affect protein function. In summary, the available evidence is currently insufficient to determine the role of this variant in disease. Therefore, it has been classified as a Variant of Uncertain Significance.